The following is an entry in ClinVar:

NM_206937.2(LIG4):c.262A>G (p.Met88Val)

Gene: LIG4 (DNA ligase 4; minus strand). Cytogenetic location: 13q33.3.
Variant type: single nucleotide variant.
Coding change: c.262A>G on transcript NM_206937.2 (MANE Select); coding-DNA position 262, A replaced by G.
Protein change: p.Met88Val; replaces methionine 88 with valine.
Molecular consequence: missense variant.
Genome position (GRCh38, 1-based): chr13:108,211,007, T>C on the plus strand (A>G on the coding strand, the complement: LIG4 is on the minus strand). VCF-style: chr13-108211007-T-C. GRCh37 (hg19) VCF-style: chr13-108863355-T-C.
Other names: p.Met88Val; c.262A>G, p.Met88Val (NM_001098268.2, NM_001352598.2, NM_001352599.2 and 6 more transcripts); c.61A>G, p.Met21Val (NM_001330595.2); c.298A>G, p.Met100Val (NM_001352604.2); short protein forms M100V, M21V, M88V.
Identifiers: ClinVar variation 2683239 (VCV002683239.1), dbSNP rs1389519519, ClinGen allele CA388623798.

ClinVar aggregate classification (germline): Uncertain significance (1 of 4 stars; one submission).

Allele frequency attached by ClinVar (database versions not stated): gnomAD exomes below 0.00001; gnomAD 0.00001.
gnomAD v4.1: 5 of 1,603,792 alleles (0.00031%); highest among the groups gnomAD compares: Admixed American, 0.0035%; no homozygotes.

Submission:

Mayo Clinic Laboratories, Mayo Clinic
Classification: Uncertain significance. Last evaluated: 2022-07-01. Review status: criteria provided, single submitter. Criteria: ACMG Guidelines, 2015. Collection method: clinical testing. Allele origin: germline. Observed: 1 variant allele.
Comment: BP4